The following is an entry in ClinVar:

ClinVar aggregate classification (germline): Likely benign. Review status: criteria provided, multiple submitters, no conflicts (2 of 4 stars). 2 submissions from 2 submitters: Likely benign (2). Last evaluated 2018-06-14.

Allele frequency attached by ClinVar (database versions not stated): 1000 Genomes Project 0.00140; 1000 Genomes Project 30x 0.00156; TOPMed 0.00285; gnomAD 0.00406 and 0.00411; gnomAD exomes 0.00427.
gnomAD v4.1: 6,304 of 1,495,102 alleles (0.42%); highest among the groups gnomAD compares: Non-Finnish European, 0.45%; 35 homozygotes.

Submissions (2):

GeneDx
Classification: Likely benign. Last evaluated: 2018-06-14. Review status: criteria provided, single submitter. Criteria: GeneDx Variant Classification (06012015). Collection method: clinical testing. Allele origin: germline. Affected: yes.
Comment: This variant is considered likely benign or benign based on one or more of the following criteria: it is a conservative change, it occurs at a poorly conserved position in the protein, it is predicted to be benign by multiple in silico algorithms, and/or has population frequency not consistent with disease.

Breakthrough Genomics
Classification: Likely benign. Review status: criteria provided, single submitter. Criteria: ACMG Guidelines, 2015. Collection method: not provided. Allele origin: germline. Inheritance: Autosomal recessive inheritance. Affected: yes.

NM_001377.3(DYNC2H1):c.6893+82C>A

Gene: DYNC2H1 (dynein cytoplasmic 2 heavy chain 1; plus strand). Cytogenetic location: 11q22.3.
Variant type: single nucleotide variant.
Coding change: c.6893+82C>A on transcript NM_001377.3 (MANE Select); 82 bases into the intron after coding-DNA position 6893, C replaced by A.
Molecular consequence: intron variant.
Genome position (GRCh38, 1-based): chr11:103,186,583, C>A. VCF-style: chr11-103186583-C-A. GRCh37 (hg19) VCF-style: chr11-103057312-C-A.
Other names: c.6893+82C>A (NM_001080463.2).
Identifiers: ClinVar variation 676719 (VCV000676719.2), dbSNP rs181116799, ClinGen allele CA227404981.